The following is an entry in ClinVar:

ClinVar aggregate classification (germline): Uncertain significance (1 of 4 stars; one submission).

Submission:

GeneDx
Classification: Uncertain significance. Last evaluated: 2019-12-20. Review status: criteria provided, single submitter. Criteria: GeneDx Variant Classification Process June 2021. Collection method: clinical testing. Allele origin: germline. Affected: yes.
Comment: Not observed in large population cohorts (Lek et al., 2016); In silico analysis, which includes protein predictors and evolutionary conservation, supports a deleterious effect; Has not been previously published as pathogenic or benign to our knowledge

NM_004187.5(KDM5C):c.112G>A (p.Ala38Thr)

Genes: KDM5C (lysine demethylase 5C; minus strand), LOC130068308 (ATAC-STARR-seq lymphoblastoid active region 29656; plus strand). Cytogenetic location: Xp11.22.
Variant type: single nucleotide variant.
Coding change: c.112G>A on transcript NM_004187.5 (MANE Select); coding-DNA position 112, G replaced by A.
Protein change: p.Ala38Thr; replaces alanine 38 with threonine.
Molecular consequence: missense variant. On other transcripts: non-coding transcript variant (3).
Genome position (GRCh38, 1-based): chrX:53,224,778, C>T on the plus strand (G>A on the coding strand, the complement: KDM5C is on the minus strand). VCF-style: chrX-53224778-C-T. GRCh37 (hg19) VCF-style: chrX-53253960-C-T.
Other names: c.112G>A, p.Ala38Thr (NM_001146702.2, NM_001282622.3, NM_001353978.3 and 4 more transcripts); short protein forms A38T.
Identifiers: ClinVar variation 1311482 (VCV001311482.2), dbSNP rs2146978307, ClinGen allele CA413134062.